The following is an entry in ClinVar:

ClinVar aggregate classification (germline): Uncertain significance (1 of 4 stars; one submission).

Allele frequency attached by ClinVar (database versions not stated): gnomAD 0.00004 and 0.00003; TOPMed 0.00001.

Submission:

Labcorp Genetics (formerly Invitae), Labcorp
Classification: Uncertain significance. Last evaluated: 2025-11-06. Review status: criteria provided, single submitter. Criteria: Invitae Variant Classification Sherloc (09022015). Collection method: clinical testing. Allele origin: germline.
Comment: This sequence change creates a premature translational stop signal (p.Trp176*) in the SIAE gene. It is expected to result in an absent or disrupted protein product. However, the current clinical and genetic evidence is not sufficient to establish whether loss-of-function variants in SIAE cause disease. This variant is not present in population databases (gnomAD no frequency). This variant has not been reported in the literature in individuals affected with SIAE-related conditions. ClinVar contains an entry for this variant (Variation ID: 1349865). In summary, the available evidence is currently insufficient to determine the role of this variant in disease. Therefore, it has been classified as a Variant of Uncertain Significance.

NM_170601.5(SIAE):c.528G>A (p.Trp176Ter)

Gene: SIAE (sialic acid acetylesterase; minus strand). Cytogenetic location: 11q24.2.
Variant type: single nucleotide variant.
Coding change: c.528G>A on transcript NM_170601.5 (MANE Select); coding-DNA position 528, G replaced by A.
Protein change: p.Trp176Ter; replaces tryptophan 176 with a stop codon.
Molecular consequence: nonsense.
Genome position (GRCh38, 1-based): chr11:124,654,671, C>T on the plus strand (G>A on the coding strand, the complement: SIAE is on the minus strand). VCF-style: chr11-124654671-C-T. GRCh37 (hg19) VCF-style: chr11-124524567-C-T.
Other names: c.423G>A, p.Trp141Ter (NM_001199922.2); short protein forms W141*, W176*.
Identifiers: ClinVar variation 1349865 (VCV001349865.6), dbSNP rs994822490, ClinGen allele CA230395061.